The following is an entry in ClinVar:

NM_001040424.3(PRDM15):c.850G>A (p.Val284Met)

Gene: PRDM15 (PR/SET domain 15; minus strand). Cytogenetic location: 21q22.3.
Variant type: single nucleotide variant.
Coding change: c.850G>A on transcript NM_001040424.3 (MANE Select); coding-DNA position 850, G replaced by A.
Protein change: p.Val284Met; replaces valine 284 with methionine.
Molecular consequence: missense variant. On other transcripts: non-coding transcript variant (4).
Genome position (GRCh38, 1-based): chr21:41,839,644, C>T on the plus strand (G>A on the coding strand, the complement: PRDM15 is on the minus strand). VCF-style: chr21-41839644-C-T. GRCh37 (hg19) VCF-style: chr21-43259753-C-T.
Other names: c.850G>A, p.Val284Met (NM_001282934.2); c.1048G>A, p.Val350Met (NM_022115.7); short protein forms V284M, V350M.
Identifiers: ClinVar variation 2652689 (VCV002652689.24), dbSNP rs200127182, ClinGen allele CA10036912.
Genomic context (GRCh38, chr21:41,839,644, plus strand): 5'-GCCCCACGCAGGCACTCATCCCCGGGACCCGCTCATCACCTGTGGGTTCCTTGTCTTCCA[C>T]GATGACTAGAGGCTGCTCAGCTTTGGACACTTTGGGTTTTCTCCCCCTTCGAGGCTTTTT-3'
Protein context (NP_001035514.2, residues 274-294): VSKAEQPLVI[Val284Met]EDKEPTEQVA

ClinVar aggregate classification (germline): Likely benign (1 of 4 stars; one submission).

Allele frequency attached by ClinVar (database versions not stated): TOPMed 0.00006; gnomAD 0.00017; ExAC 0.00066; 1000 Genomes Project 0.00080; 1000 Genomes Project 30x 0.00094.
gnomAD v4.1: 543 of 1,614,198 alleles (0.034%); highest among the groups gnomAD compares: South Asian, 0.47%; 4 homozygotes.

Submission:

CeGaT Center for Human Genetics Tuebingen
Classification: Likely benign. Last evaluated: 2024-07-01. Review status: criteria provided, single submitter. Criteria: CeGaT Center For Human Genetics Tuebingen Variant Classification Criteria Version 2. Collection method: clinical testing. Allele origin: germline. Affected: yes. Observed: 2 variant alleles.
Comment: PRDM15: BP4